The following is an entry in ClinVar:

ClinVar aggregate classification (germline): Likely pathogenic (0 of 4 stars; one submission).

Conditions:
CEP290-related disorder. Also called: CEP290-related condition; CEP290-related disorders. Identifiers: MedGen CN239314.

Submission:

PreventionGenetics, part of Exact Sciences
Classification: Likely pathogenic for CEP290-related condition. Last evaluated: 2024-04-25. Review status: no assertion criteria provided. Collection method: clinical testing. Allele origin: germline.
Comment: The CEP290 c.6300_6301delTG variant is predicted to result in premature protein termination (p.Cys2100*). To our knowledge, this variant has not been reported in the literature or in a large population database, indicating this variant is rare. Nonsense variants in CEP290 are expected to be pathogenic. This variant is interpreted as likely pathogenic.

NM_025114.4(CEP290):c.6300_6301del (p.Cys2100_Glu2101delinsTer)

Genes: CEP290 (centrosomal protein 290; minus strand), LOC129390514 (MPRA-validated peak1864 silencer; plus strand). Cytogenetic location: 12q21.32.
Variant type: Microsatellite.
Coding change: c.6300_6301del on transcript NM_025114.4 (MANE Select); coding-DNA positions 6300 to 6301, 2 bases deleted (TG; older notation c.6300_6301delTG).
Protein change: p.Cys2100_Glu2101delinsTer.
Molecular consequence: nonsense.
Genome position (GRCh38, 1-based): chr12:88,062,748-88,062,749, CA deleted on the plus strand (TG on the coding strand, the reverse complement: CEP290 is on the minus strand); deleting any 2 consecutive bases within chr12:88,062,748-88,062,753 gives the same sequence; the c. name uses the placement nearest the transcript's 3' end. VCF-style (leftmost placement, unchanged base first): chr12-88062747-TCA-T. GRCh37 (hg19) VCF-style: chr12-88456524-TCA-T.
Identifiers: ClinVar variation 3345404 (VCV003345404.1).